The following is an entry in ClinVar:

NM_000719.7(CACNA1C):c.4796A>G (p.Lys1599Arg)

Gene: CACNA1C (calcium voltage-gated channel subunit alpha1 C; plus strand). Cytogenetic location: 12p13.33.
Variant type: single nucleotide variant.
Coding change: c.4796A>G on transcript NM_000719.7 (MANE Select); coding-DNA position 4796, A replaced by G.
Protein change: p.Lys1599Arg; replaces lysine 1599 with arginine.
Molecular consequence: missense variant.
Genome position (GRCh38, 1-based): chr12:2,674,610, A>G. VCF-style: chr12-2674610-A-G. GRCh37 (hg19) VCF-style: chr12-2783776-A-G.
Other names: c.4820A>G, p.Lys1607Arg (NM_001129837.2, NM_001129838.2); c.4814A>G, p.Lys1605Arg (NM_001129839.2); c.4796A>G, p.Lys1599Arg (NM_001129840.2, NM_001129841.2, NM_001129842.2 and 4 more transcripts); c.4787A>G, p.Lys1596Arg (NM_001129844.2); c.4763A>G, p.Lys1588Arg (NM_001129846.2, NM_001167625.2); c.4940A>G, p.Lys1647Arg (NM_199460.4, NM_001129827.2); c.4919A>G, p.Lys1640Arg (NM_001129829.2); c.4880A>G, p.Lys1627Arg (NM_001129831.2); and 3 more; short protein forms K1605R, K1607R, K1618R, K1588R, K1627R, K1596R, K1599R, K1640R.
Identifiers: ClinVar variation 2799351 (VCV002799351.3), dbSNP rs2531442338, ClinGen allele CA383377806.

ClinVar aggregate classification (germline): Uncertain significance (1 of 4 stars; one submission).

Conditions:
Long QT syndrome (LQTS). Identifiers: MedGen C0023976, MeSH D008133, MONDO:0002442. Disease mechanism: loss of function. Inheritance: Various modes of inheritance.

Submission:

Labcorp Genetics (formerly Invitae), Labcorp
Classification: Uncertain significance for Long QT syndrome. Last evaluated: 2023-12-11. Review status: criteria provided, single submitter. Criteria: Invitae Variant Classification Sherloc (09022015). Collection method: clinical testing. Allele origin: germline.
Comment: This sequence change replaces lysine, which is basic and polar, with arginine, which is basic and polar, at codon 1599 of the CACNA1C protein (p.Lys1599Arg). This variant is not present in population databases (gnomAD no frequency). This variant has not been reported in the literature in individuals affected with CACNA1C-related conditions. Advanced modeling of protein sequence and biophysical properties (such as structural, functional, and spatial information, amino acid conservation, physicochemical variation, residue mobility, and thermodynamic stability) has been performed at Invitae for this missense variant, however the output from this modeling did not meet the statistical confidence thresholds required to predict the impact of this variant on CACNA1C protein function. In summary, the available evidence is currently insufficient to determine the role of this variant in disease. Therefore, it has been classified as a Variant of Uncertain Significance.